The following is an entry in ClinVar:

ClinVar aggregate classification (germline): Pathogenic/Likely pathogenic. Review status: criteria provided, multiple submitters, no conflicts (2 of 4 stars). 4 submissions from 4 submitters: Pathogenic (3); Likely pathogenic (1). Last evaluated 2025-08-05.

Conditions:
Hereditary cancer-predisposing syndrome. Also called: Neoplastic Syndromes, Hereditary; Tumor predisposition; Hereditary Cancer Syndrome; Hereditary neoplastic syndrome. Identifiers: Orphanet 140162, MedGen C0027672, MeSH D009386, MONDO:0015356.
Ataxia-telangiectasia syndrome (AT). Also called: Ataxia telangiectasia (A-T); ATAXIA-TELANGIECTASIA, COMPLEMENTATION GROUP A; ATAXIA-TELANGIECTASIA, FRESNO VARIANT; Ataxia-telangiectasia; Ataxia-telangiectasia, complementation group E; LOUIS-BAR SYNDROME. Identifiers: Orphanet 100, MedGen C0004135, MONDO:0008840, OMIM 208900.

Submissions (4):

Labcorp Genetics (formerly Invitae), Labcorp
Classification: Pathogenic for Ataxia-telangiectasia syndrome. Last evaluated: 2025-08-05. Review status: criteria provided, single submitter. Criteria: Invitae Variant Classification Sherloc (09022015). Collection method: clinical testing. Allele origin: germline.
Comment: This sequence change creates a premature translational stop signal (p.Cys2735Valfs*2) in the ATM gene. It is expected to result in an absent or disrupted protein product. Loss-of-function variants in ATM are known to be pathogenic (PMID: 23807571, 25614872). This variant is not present in population databases (gnomAD no frequency). This variant has not been reported in the literature in individuals affected with ATM-related conditions. ClinVar contains an entry for this variant (Variation ID: 1163051). For these reasons, this variant has been classified as Pathogenic.

Ambry Genetics
Classification: Pathogenic for Hereditary cancer-predisposing syndrome. Last evaluated: 2023-09-06. Review status: criteria provided, single submitter. Criteria: Ambry Variant Classification Scheme 2023. Collection method: clinical testing. Allele origin: germline.
Comment: The c.8202dupG pathogenic mutation, located in coding exon 55 of the ATM gene, results from a duplication of G at nucleotide position 8202, causing a translational frameshift with a predicted alternate stop codon (p.C2735Vfs*2). This variant is considered to be rare based on population cohorts in the Genome Aggregation Database (gnomAD). This alteration is expected to result in loss of function by premature protein truncation or nonsense-mediated mRNA decay. As such, this alteration is interpreted as a disease-causing mutation.

GeneDx
Classification: Likely pathogenic. Last evaluated: 2020-10-14. Review status: criteria provided, single submitter. Criteria: GeneDx Variant Classification Process June 2021. Collection method: clinical testing. Allele origin: germline. Affected: yes.
Comment: Frameshift variant predicted to result in protein truncation or nonsense mediated decay in a gene for which loss-of-function is a known mechanism of disease; Not observed in large population cohorts (Lek et al., 2016); Has not been previously published as pathogenic or benign to our knowledge

Mayo Clinic Laboratories, Mayo Clinic
Classification: Pathogenic. Last evaluated: 2020-05-14. Review status: criteria provided, single submitter. Criteria: ACMG Guidelines, 2015. Collection method: clinical testing. Allele origin: germline. Observed: 1 variant allele.
Comment: PVS1, PM2, PM3_Supporting

Literature cited by the submitters: PubMed 23807571 (cited by Labcorp Genetics (formerly Invitae), Labcorp); PubMed 25614872 (cited by Labcorp Genetics (formerly Invitae), Labcorp).

NM_000051.4(ATM):c.8202dup (p.Cys2735fs)

Genes: ATM (ATM serine/threonine kinase; plus strand), C11orf65 (chromosome 11 open reading frame 65; minus strand). Cytogenetic location: 11q22.3.
Variant type: Duplication.
Coding change: c.8202dup on transcript NM_000051.4 (MANE Select); coding-DNA position 8202, one base duplicated (G; older notation c.8202dupG).
Protein change: p.Cys2735fs; shifts the reading frame from cysteine 2735.
Molecular consequence: frameshift variant. On other transcripts: intron variant (2).
Genome position (GRCh38, 1-based): chr11:108,335,895, G duplicated. VCF-style (leftmost placement, unchanged base first): chr11-108335894-T-TG. GRCh37 (hg19) VCF-style: chr11-108206621-T-TG.
Other names: c.8202dup, p.Cys2735fs (NM_001351834.2); c.641-26824dup (NM_001330368.2); c.695-603dup (NM_001351110.2); c.8202dupG (NM_000051.3); short protein forms C2735fs.
Identifiers: ClinVar variation 1163051 (VCV001163051.10), dbSNP rs2136695766, ClinGen allele CA2499220723.